The following is an entry in ClinVar:

NM_001042492.3(NF1):c.983G>A (p.Cys328Tyr)

Gene: NF1 (neurofibromin 1; plus strand). Cytogenetic location: 17q11.2.
Variant type: single nucleotide variant.
Coding change: c.983G>A on transcript NM_001042492.3 (MANE Select); coding-DNA position 983, G replaced by A.
Protein change: p.Cys328Tyr; replaces cysteine 328 with tyrosine.
Molecular consequence: missense variant.
Genome position (GRCh38, 1-based): chr17:31,200,516, G>A. VCF-style: chr17-31200516-G-A. GRCh37 (hg19) VCF-style: chr17-29527534-G-A.
Other names: c.983G>A, p.Cys328Tyr (NM_000267.4, NM_001128147.3); short protein forms C328Y.
Identifiers: ClinVar variation 1321789 (VCV001321789.6), dbSNP rs2143873368, ClinGen allele CA398996083.

ClinVar aggregate classification (germline): Uncertain significance. Review status: criteria provided, multiple submitters, no conflicts (2 of 4 stars). 2 submissions from 2 submitters: Uncertain significance (2). Last evaluated 2025-06-30.

Conditions:
Neurofibromatosis, type 1 (NF1). Also called: NEUROFIBROMATOSIS, TYPE I, SOMATIC; Peripheral type neurofibromatosis; Neurofibromatosis, type I; VON RECKLINGHAUSEN DISEASE. Identifiers: Orphanet 636, MedGen C0027831, MONDO:0018975, OMIM 162200. Disease mechanism: loss of function.

Submissions (2):

GeneDx
Classification: Uncertain significance. Last evaluated: 2025-06-30. Review status: criteria provided, single submitter. Criteria: GeneDx Variant Classification Process June 2021. Collection method: clinical testing. Allele origin: germline. Affected: yes.
Comment: Not observed at significant frequency in large population cohorts (gnomAD); In silico analysis supports that this missense variant has a deleterious effect on protein structure/function; Has not been previously published as pathogenic or benign to our knowledge

Labcorp Genetics (formerly Invitae), Labcorp
Classification: Uncertain significance for Neurofibromatosis, type 1. Last evaluated: 2023-10-05. Review status: criteria provided, single submitter. Criteria: Invitae Variant Classification Sherloc (09022015). Collection method: clinical testing. Allele origin: germline.
Comment: This sequence change replaces cysteine, which is neutral and slightly polar, with tyrosine, which is neutral and polar, at codon 328 of the NF1 protein (p.Cys328Tyr). This variant is not present in population databases (gnomAD no frequency). This variant has not been reported in the literature in individuals affected with NF1-related conditions. ClinVar contains an entry for this variant (Variation ID: 1321789). Advanced modeling of protein sequence and biophysical properties (such as structural, functional, and spatial information, amino acid conservation, physicochemical variation, residue mobility, and thermodynamic stability) performed at Invitae indicates that this missense variant is expected to disrupt NF1 protein function. In summary, the available evidence is currently insufficient to determine the role of this variant in disease. Therefore, it has been classified as a Variant of Uncertain Significance.